The following is an entry in ClinVar:

NM_006514.4(SCN10A):c.3095del (p.Gln1032fs)

Genes: SCN10A (sodium voltage-gated channel alpha subunit 10; minus strand), LOC110121288 (VISTA enhancer hs2268; plus strand). Cytogenetic location: 3p22.2.
Variant type: Deletion.
Coding change: c.3095del on transcript NM_006514.4 (MANE Select); coding-DNA position 3095, one base deleted (A; older notation c.3095delA).
Protein change: p.Gln1032fs; shifts the reading frame from glutamine 1032.
Molecular consequence: frameshift variant.
Genome position (GRCh38, 1-based): chr3:38,725,307, T deleted on the plus strand (A on the coding strand, the reverse complement: SCN10A is on the minus strand). VCF-style (leftmost placement, unchanged base first): chr3-38725306-CT-C. GRCh37 (hg19) VCF-style: chr3-38766797-CT-C.
Other names: c.3092del, p.Gln1031fs (NM_001293306.2); c.2801del, p.Gln934fs (NM_001293307.2); short protein forms Q934fs, Q1031fs, Q1032fs.
Identifiers: ClinVar variation 1727504 (VCV001727504.7), dbSNP rs760664319, ClinGen allele CA2320352.

ClinVar aggregate classification (germline): Uncertain significance. Review status: criteria provided, multiple submitters, no conflicts (2 of 4 stars). 2 submissions from 2 submitters: Uncertain significance (2). Last evaluated 2022-02-21.

Conditions:
Cardiovascular phenotype. Identifiers: MedGen CN230736.
Brugada syndrome. Also called: Sudden unexplained nocturnal death syndrome; Sudden Unexplained Death Syndrome; Sudden Unexplained Nocturnal Death Syndrome (SUNDS); Sudden unexpected nocturnal death syndrome. Identifiers: Orphanet 130, MedGen C1142166, MONDO:0015263.

Allele frequency attached by ClinVar (database versions not stated): ExAC 0.00001; gnomAD exomes 0.00001.

Submissions (2):

Labcorp Genetics (formerly Invitae), Labcorp
Classification: Uncertain significance for Brugada syndrome. Last evaluated: 2022-02-21. Review status: criteria provided, single submitter. Criteria: Invitae Variant Classification Sherloc (09022015). Collection method: clinical testing. Allele origin: germline.
Comment: This sequence change creates a premature translational stop signal (p.Gln1032Argfs*12) in the SCN10A gene. It is expected to result in an absent or disrupted protein product. However, the current clinical and genetic evidence is not sufficient to establish whether loss-of-function variants in SCN10A cause disease. This variant is present in population databases (rs760664319, gnomAD 0.0009%). This variant has not been reported in the literature in individuals affected with SCN10A-related conditions. In summary, the available evidence is currently insufficient to determine the role of this variant in disease. Therefore, it has been classified as a Variant of Uncertain Significance.

Ambry Genetics
Classification: Uncertain significance for Cardiovascular phenotype. Last evaluated: 2021-02-05. Review status: criteria provided, single submitter. Criteria: Ambry Variant Classification Scheme 2023. Collection method: clinical testing. Allele origin: germline.
Comment: The c.3095delA variant, located in coding exon 17 of the SCN10A gene, results from a deletion of one nucleotide at nucleotide position 3095, causing a translational frameshift with a predicted alternate stop codon (p.Q1032Rfs*12). This alteration is expected to result in premature protein truncation or nonsense-mediated mRNA decay. However, loss of function of SCN10A has not been clearly established as a mechanism of disease. Since supporting evidence is limited at this time, the clinical significance of this alteration remains unclear.